The following is an entry in ClinVar:

NM_001276270.2(MBD4):c.646G>A (p.Glu216Lys)

Gene: MBD4 (methyl-CpG binding domain 4, DNA glycosylase; minus strand). Cytogenetic location: 3q21.3.
Variant type: single nucleotide variant.
Coding change: c.646G>A on transcript NM_001276270.2 (MANE Select); coding-DNA position 646, G replaced by A.
Protein change: p.Glu216Lys; replaces glutamic acid 216 with lysine.
Molecular consequence: missense variant. On other transcripts: intron variant (1).
Genome position (GRCh38, 1-based): chr3:129,436,998, C>T on the plus strand (G>A on the coding strand, the complement: MBD4 is on the minus strand). VCF-style: chr3-129436998-C-T. GRCh37 (hg19) VCF-style: chr3-129155841-C-T.
Other names: c.646G>A, p.Glu216Lys (NM_001276271.2, NM_001276272.2, NM_003925.3); c.247+810G>A (NM_001276273.2); short protein forms E216K.
Identifiers: ClinVar variation 2843597 (VCV002843597.4), dbSNP rs1446040712, ClinGen allele CA354467569.

ClinVar aggregate classification (germline): Uncertain significance. Review status: criteria provided, multiple submitters, no conflicts (2 of 4 stars). 2 submissions from 2 submitters: Uncertain significance (2). Last evaluated 2026-01-12.

Conditions:
Inborn genetic diseases. Identifiers: MedGen C0950123, MeSH D030342.

Allele frequency attached by ClinVar (database versions not stated): TOPMed below 0.00001; gnomAD 0.00001; gnomAD exomes below 0.00001.
gnomAD v4.1: 3 of 1,614,076 alleles (0.00019%); highest among the groups gnomAD compares: African/African-American, 0.0013%; no homozygotes.

Submissions (2):

Labcorp Genetics (formerly Invitae), Labcorp
Classification: Uncertain significance. Last evaluated: 2026-01-12. Review status: criteria provided, single submitter. Criteria: Invitae Variant Classification Sherloc (09022015). Collection method: clinical testing. Allele origin: germline.
Comment: This sequence change replaces glutamic acid, which is acidic and polar, with lysine, which is basic and polar, at codon 216 of the MBD4 protein (p.Glu216Lys). This variant is present in population databases (no rsID available, gnomAD 0.0009%). This variant has not been reported in the literature in individuals affected with MBD4-related conditions. ClinVar contains an entry for this variant (Variation ID: 2843597). An algorithm developed to predict the effect of missense changes on protein structure and function (PolyPhen-2) suggests that this variant is likely to be tolerated. In summary, the available evidence is currently insufficient to determine the role of this variant in disease. Therefore, it has been classified as a Variant of Uncertain Significance.

Ambry Genetics
Classification: Uncertain significance for Inborn genetic diseases. Last evaluated: 2025-02-20. Review status: criteria provided, single submitter. Criteria: Ambry Variant Classification Scheme 2023. Collection method: clinical testing. Allele origin: germline.
Comment: The p.E216K variant (also known as c.646G>A), located in coding exon 3 of the MBD4 gene, results from a G to A substitution at nucleotide position 646. The glutamic acid at codon 216 is replaced by lysine, an amino acid with similar properties. This amino acid position is conserved. In addition, the in silico prediction for this alteration is inconclusive. Based on the available evidence, the clinical significance of this variant remains unclear.